The following is an entry in ClinVar:

ClinVar aggregate classification (germline): Benign. Review status: reviewed by expert panel (3 of 4 stars). 34 submissions from 33 submitters: Benign (1). 33 of the submissions do not count toward it. Last evaluated 2026-11-22.

Conditions:
VHL-related disorder. Also called: VHL-related condition.
Inherited phaeochromocytoma and paraganglioma excluding NF1.
Von Hippel-Lindau syndrome (VHLS). Also called: Von Hippel-Lindau; VHL syndrome; von Hippel–Lindau syndrome. Identifiers: Orphanet 892, MedGen C0019562, MONDO:0008667, OMIM 193300. Disease mechanism: loss of function.
Chuvash polycythemia. Also called: POLYCYTHEMIA, VHL-DEPENDENT. Identifiers: Orphanet 238557, MedGen C1837915, MONDO:0009892, OMIM 263400.
Hereditary cancer-predisposing syndrome. Also called: Hereditary Cancer Syndrome; Hereditary neoplastic syndrome; Neoplastic Syndromes, Hereditary; Tumor predisposition. Identifiers: Orphanet 140162, MedGen C0027672, MeSH D009386, MONDO:0015356.
Pheochromocytoma. Also called: MAX-Related Hereditary Paraganglioma-Pheochromocytoma Syndrome. Identifiers: Orphanet 29072, MedGen C0031511, MONDO:0008233, OMIM 171300, HP:0002666.
Nonpapillary renal cell carcinoma. Identifiers: Orphanet 422526, MedGen CN074294, MONDO:0007763, OMIM 144700.
Acute leukemia of ambiguous lineage. Identifiers: Orphanet 86851, MedGen C1301357, MONDO:0019460.

Allele frequency attached by ClinVar (database versions not stated): gnomAD exomes 0.00024 and 0.00021; TOPMed 0.00007; gnomAD 0.00009 and 0.00010; ExAC 0.00023.

Submissions 1 to 5 of 34:

ClinGen VHL Variant Curation Expert Panel, ClinGen
Classification: Benign for Von Hippel-Lindau syndrome. Last evaluated: 2026-11-22. Review status: reviewed by expert panel. Criteria: ClinGen VHL ACMG Specifications VHL V1.1.0. Collection method: curation. Allele origin: germline. Inheritance: Autosomal dominant inheritance.
Comment: The variant NM_000551.4(VHL):c.598C>T (p.Arg200Trp) is a missense variant located in exon 3 of the VHL gene, predicted to cause substitution of Tryptophan for Arginine at position 200. The GroupMax Filtering Allele Frequency (95% CI) in gnomAD v4.1.0 is 0.0004661 (54/91080 from South Asian (SAS) dataset). This is higher than the ClinGen VHL VCEP threshold of >=0.000156 (0.0156%) threshold expected for VHL disease. In addition, functional studies using MAVE/SGE assay data (Buckley et al., Nat Genet 2024; via MaveDB (Rubin AF et al., MaveDB 2024, Genome Biol 2025;26:13); MaveDB: urn:mavedb:00000675-a-1) produced a score of -0.273 (q=0.175), indicating normal function (BS3_Supporting). This position lies within 8 copy-number variant(s) reported in healthy individuals in the Database of Genomic Variants (DGV: complex, deletion, insertion, inversion) — nsv3693, nsv436362, nsv436869, nsv1121603, esv4117, nsv1073204, dgv762e201, nsv4322351 — likely-benign population copy-number variation in this region, relevant context when interpreting a gain/loss. Finally, reported VHL‑associated tumors in c.598C>T carriers have almost always involved a second pathogenic VHL variant (compound heterozygosity), consistent with a two‑hit tumor suppressor mechanism rather than a dominant predisposition from c.598C>T alone. Therefore, in summary, this variant meets BA1 (stand-alone benign criteria) and with Expert Panel consensus is classified as Benign for autosomal-dominant von Hippel Lindau syndrome (VHL syndrome) based on the ACMG/AMP criteria applied, as specified by the ClinGen VHL VCEP Version 1.1.0 (Specifications approval date: 01/10/2025). This classification is limited to autosomal dominant VHL syndrome and does not address the clinical significance of this variant with respect to Chuvash polycythemia. Variant Approval Date 11/22/2026.

PreventionGenetics, part of Exact Sciences
Classification: Pathogenic for VHL-related condition. Last evaluated: 2026-04-16. Review status: criteria provided, single submitter. Criteria: ACMG Guidelines, 2015. Collection method: clinical testing. Allele origin: germline. Not counted in ClinVar's aggregate classification.
Comment: The VHL c.598C>T variant is predicted to result in the amino acid substitution p.Arg200Trp. While pathogenic variants in the VHL gene are typically associated with autosomal dominant von Hippel-Lindau (VHL) disease, this variant has been reported to be a common causative variant for autosomal recessive familial erythrocytosis type 2, also known as Chuvash polycythemia (Sergeyeva et al. 1997. PubMed ID: 9058738; Ang et al. 2002. PubMed ID: 11987242; Semenza et al. 2009. PubMed ID: 19494350). This variant has been reported in the gnomAD public population database in a global subpopulation up to 0.065%, but is present in the Chuvash population of Russia at an allele frequency of 5.7% and on the island of Ischia in Italy at an allele frequency of 7% (Perrotta et al. 2005. PubMed ID: 16210343). Mice homozygous for this variant exhibited polycythemia, but no increase in tumors associated with VHL disease were observed (Hickey et al. 2007. PubMed ID: 17992257). This variant has not been reported to cause VHL disease in humans (Gordeuk et al. 2004. PubMed ID: 14726398; Pastore et al. 2003. PubMed ID: 12844285; Miasnikova et al. 2011. PubMed ID: 21606165), although some evidence suggests it may be causative with a low penetrance (Woodward et al. 2007. PubMed ID: 17264095). This variant has conflicting interpretations in ClinVar ranging from pathogenic to uncertain (Variation ID: 2232). We classify this variant as pathogenic, in the context of autosomal recessive Chuvash polycythemia. For autosomal dominant VHL syndrome, although we suspect it may be benign, the clinical significance of this variant is uncertain due to the absence of conclusive functional and genetic evidence.

Labcorp Genetics (formerly Invitae), Labcorp
Classification: Pathogenic for Von Hippel-Lindau syndrome; Chuvash polycythemia. Last evaluated: 2026-02-03. Review status: criteria provided, single submitter. Criteria: Invitae Variant Classification Sherloc (09022015). Collection method: clinical testing. Allele origin: germline. Not counted in ClinVar's aggregate classification.
Comment: This sequence change replaces arginine, which is basic and polar, with tryptophan, which is neutral and slightly polar, at codon 200 of the VHL protein (p.Arg200Trp). This variant is present in population databases (rs28940298, gnomAD 0.07%). This variant has been observed in a family affected with von Hippel-Lindau syndrome without pheochromocytoma (PMID: 8956040), however, several studies have reported that this variant does not cause von Hippel-Lindau syndrome (PMID: 14726398, 21606165). It has also been observed to segregate with disease in related individuals. This variant is a known common cause of autosomal recessive, familial erythrocytosis type 2 (Chuvash polycythemia) in the Chuvash population of Russia and the Italian island of Ischia (PMID: 11987242, 19494350, 9058738, 16210343). In the Chuvash population, an estimated 1/20 individuals is a carrier of this variant (PMID: 12415268), while the worldwide carrier frequency is lower (rs28940298, 0.06%). ClinVar contains an entry for this variant (Variation ID: 2232). Invitae Evidence Modeling of protein sequence and biophysical properties (such as structural, functional, and spatial information, amino acid conservation, physicochemical variation, residue mobility, and thermodynamic stability) indicates that this missense variant is expected to disrupt VHL protein function with a positive predictive value of 95%. Experimental studies have shown that this missense change affects VHL function (PMID: 12415268, 15574766, 17992257, 19030229). For these reasons, this variant has been classified as Pathogenic.

Center for Genomic Medicine, Rigshospitalet, Copenhagen University Hospital
Classification: Uncertain significance. Last evaluated: 2025-12-29. Review status: criteria provided, single submitter. Criteria: ACMG Guidelines, 2015. Collection method: clinical testing. Allele origin: germline. Not counted in ClinVar's aggregate classification.

Color Diagnostics, LLC DBA Color Health
Classification: Uncertain significance for Von Hippel-Lindau syndrome. Last evaluated: 2025-11-25. Review status: criteria provided, single submitter. Criteria: ACMG Guidelines, 2015. Collection method: clinical testing. Allele origin: germline. Not counted in ClinVar's aggregate classification.
Comment: This missense variant replaces arginine with tryptophan at codon 200 of the VHL protein. Computational prediction suggests that this variant may have deleterious impact on protein structure and function. Functional studies have reported that this variant partially impacted VHL functions to varying degrees in binding and ubiquitination of HIF1alpha and the regulation of genes in the VHL-HIF and VHL-JAK2 pathways (PMID: 12415268, 15574766, 17992257, 19304954, 21685897) and partial to no impact on VHL binding to Elongin B, Elongin C, cullen and ROC/Rbx1 (PMID: 15574766, 19030229), and has an intermediate impact in a haploid cell proliferation assay (PMID: 38969834). Homozygous and compound heterozygous carriers of this variant have been reported in individuals affected with recessive Chuvash polycythemia and/or erythrocytosis (PMID: 11987242, 12415268, 12393546, 12702509, 12844285, 14726398, 15642664, 16210343, 23403324, 31132167), and haplotype analysis has found that one haplotype with this variant is a founder mutation for recessive Chuvash polycythemia (PMID: 14604959). However, these individuals and heterozygous family members are not known to exhibit multiple CNS and retinal hemangioblastomas and clear cell renal cell carcinomas that are characteristic of VHL hereditary cancer predisposition syndrome. One carrier family that was originally reported to be affected with isolated central nervous system hemangioblastoma (PMID: 17264095) was found to have this variant, p.Arg200Trp, in cis with p.Arg161Gln, and the haplotype of both variants in cis and in heterozygous state segregated with family members affected with CNS and retinal hemangioblastoma, clear cell renal cell carcinoma, pheochromocytoma and pancreatic neuroendocrine tumor (PMID: 25371412). Furthermore, functional study found that both variants in cis has an additive deleterious impact on VHL function in HIF1alpha peptide binding and deregulated expression of genes in the VHL-HIF pathway, suggesting the that the haplotype with both variants in cis is associated with autosomal dominant cancer predisposition (PMID: 25371412). This variant is common and has been identified in 364/1614020 chromosomes in the general population by the Genome Aggregation Database (gnomAD). In summary, the heterozygous state for this variant per se may not be associated with the autosomal dominant VHL hereditary cancer predisposition syndrome. Therefore, this variant is classified as a Variant of Uncertain Significance.

NM_000551.4(VHL):c.598C>T (p.Arg200Trp)

Genes: VHL (von Hippel-Lindau tumor suppressor; plus strand), LOC107303340 (3p25 von Hippel-Lindau tumor suppressor, E3 ubiquitin protein ligase Alu-mediated recombination region; plus strand). Cytogenetic location: 3p25.3.
Variant type: single nucleotide variant.
Coding change: c.598C>T on transcript NM_000551.4 (MANE Select); coding-DNA position 598, C replaced by T.
Protein change: p.Arg200Trp; replaces arginine 200 with tryptophan.
Molecular consequence: missense variant. On other transcripts: 3 prime UTR variant (1).
Genome position (GRCh38, 1-based): chr3:10,149,921, C>T. VCF-style: chr3-10149921-C-T. GRCh37 (hg19) VCF-style: chr3-10191605-C-T.
Other names: p.R200W:CGG>TGG; NM_000551.4(VHL):c.598C>T; c.*152C>T (NM_001354723.2); c.475C>T, p.Arg159Trp (NM_198156.3); short protein forms R200W, R159W.
Identifiers: ClinVar variation 2232 (VCV000002232.86), dbSNP rs28940298, ClinGen allele CA020510.